The following is an entry in ClinVar:

ClinVar aggregate classification (germline): Uncertain significance (1 of 4 stars; one submission).

Conditions:
Joubert syndrome. Also called: CEREBELLOPARENCHYMAL DISORDER IV; JOUBERT-BOLTSHAUSER SYNDROME; Familial aplasia of the vermis. Identifiers: Orphanet 475, MedGen C5979921, MONDO:0018772.
Meckel-Gruber syndrome. Also called: DYSENCEPHALIA SPLANCHNOCYSTICA; GRUBER SYNDROME; Dysencephalia splachnocystica. Identifiers: Orphanet 564, MedGen C0265215, MONDO:0018921.

Submission:

Labcorp Genetics (formerly Invitae), Labcorp
Classification: Uncertain significance for Joubert syndrome; Meckel-Gruber syndrome. Last evaluated: 2022-03-10. Review status: criteria provided, single submitter. Criteria: Invitae Variant Classification Sherloc (09022015). Collection method: clinical testing. Allele origin: germline.
Comment: This sequence change replaces alanine, which is neutral and non-polar, with glutamic acid, which is acidic and polar, at codon 559 of the TCTN1 protein (p.Ala559Glu). This variant is not present in population databases (gnomAD no frequency). This variant has not been reported in the literature in individuals affected with TCTN1-related conditions. Algorithms developed to predict the effect of missense changes on protein structure and function are either unavailable or do not agree on the potential impact of this missense change (SIFT: "Deleterious"; PolyPhen-2: "Possibly Damaging"; Align-GVGD: "Class C0"). In summary, the available evidence is currently insufficient to determine the role of this variant in disease. Therefore, it has been classified as a Variant of Uncertain Significance.

NM_001082538.3(TCTN1):c.1676C>A (p.Ala559Glu)

Gene: TCTN1 (tectonic family member 1; plus strand). Cytogenetic location: 12q24.11.
Variant type: single nucleotide variant.
Coding change: c.1676C>A on transcript NM_001082538.3 (MANE Select); coding-DNA position 1676, C replaced by A.
Protein change: p.Ala559Glu; replaces alanine 559 with glutamic acid.
Molecular consequence: missense variant. On other transcripts: non-coding transcript variant (1).
Genome position (GRCh38, 1-based): chr12:110,647,789, C>A. VCF-style: chr12-110647789-C-A. GRCh37 (hg19) VCF-style: chr12-111085594-C-A.
Other names: c.1661C>A, p.Ala554Glu (NM_001082537.3); c.1493C>A, p.Ala498Glu (NM_001173975.3); c.1349C>A, p.Ala450Glu (NM_001173976.2); c.1514C>A, p.Ala505Glu (NM_001319680.2); c.1127C>A, p.Ala376Glu (NM_001319681.2); c.1619C>A, p.Ala540Glu (NM_024549.6); short protein forms A450E, A559E, A376E, A505E, A554E, A498E, A540E.
Identifiers: ClinVar variation 1396477 (VCV001396477.11), dbSNP rs373723058, ClinGen allele CA386695806.